The following is an entry in ClinVar:

ClinVar aggregate classification (germline): Conflicting classifications of pathogenicity. Review status: criteria provided, conflicting classifications (1 of 4 stars). 3 submissions from 3 submitters: Uncertain significance (2); Likely benign (1). Last evaluated 2025-04-22.

Conditions:
Hereditary breast ovarian cancer syndrome. Also called: BRCA1- and BRCA2-Associated Hereditary Breast and Ovarian Cancer; Hereditary breast and ovarian cancer syndrome; Hereditary breast and/or ovarian cancer syndrome; Hereditary breast and ovarian cancer; Hereditary breast and ovarian cancer syndrome (HBOC); Breast and ovarian cancer. Identifiers: Orphanet 145, MedGen C0677776, MeSH D061325, MONDO:0003582. Disease mechanism: loss of function.
Hereditary cancer-predisposing syndrome. Also called: Tumor predisposition; Neoplastic Syndromes, Hereditary; Hereditary Cancer Syndrome; Hereditary neoplastic syndrome. Identifiers: Orphanet 140162, MedGen C0027672, MeSH D009386, MONDO:0015356.

gnomAD v4.1: 1 of 1,613,912 alleles (0.000062%); highest among the groups gnomAD compares: Non-Finnish European, 0.000085%; no homozygotes.

Submissions (3):

Labcorp Genetics (formerly Invitae), Labcorp
Classification: Uncertain significance for Hereditary breast ovarian cancer syndrome. Last evaluated: 2025-04-22. Review status: criteria provided, single submitter. Criteria: Invitae Variant Classification Sherloc (09022015). Collection method: clinical testing. Allele origin: germline.
Comment: This sequence change replaces alanine, which is neutral and non-polar, with serine, which is neutral and polar, at codon 1082 of the BRCA1 protein (p.Ala1082Ser). This variant is not present in population databases (gnomAD no frequency). This variant has not been reported in the literature in individuals affected with BRCA1-related conditions. ClinVar contains an entry for this variant (Variation ID: 801070). Invitae Evidence Modeling of protein sequence and biophysical properties (such as structural, functional, and spatial information, amino acid conservation, physicochemical variation, residue mobility, and thermodynamic stability) indicates that this missense variant is not expected to disrupt BRCA1 protein function with a negative predictive value of 80%. In summary, the available evidence is currently insufficient to determine the role of this variant in disease. Therefore, it has been classified as a Variant of Uncertain Significance.

University of Washington Department of Laboratory Medicine, University of Washington
Classification: Likely benign for Hereditary cancer-predisposing syndrome. Last evaluated: 2023-03-23. Review status: criteria provided, single submitter. Criteria: Dines et al. (Genet Med. 2020). Collection method: curation. Allele origin: germline.
Comment: Missense variant in a coldspot region where missense variants are very unlikely to be pathogenic (PMID:31911673).

BRCA1 coldspot (exon 11 using historical exon numbering). Reclassification based on statistical prior probability

Quest Diagnostics Nichols Institute San Juan Capistrano
Classification: Uncertain significance. Last evaluated: 2022-11-09. Review status: criteria provided, single submitter. Criteria: Quest Diagnostics criteria. Collection method: clinical testing. Allele origin: unknown.
Comment: The variant has not been reported in the published literature. It also has not been reported in large, multi-ethnic general populations. Analysis of this variant using bioinformatics tools for the prediction of the effect of amino acid changes on protein structure and function yielded conflicting predictions that this variant is benign or damaging. Based on the available information, we are unable to determine the clinical significance of this variant.

NM_007294.4(BRCA1):c.3244G>T (p.Ala1082Ser)

Genes: BRCA1 (BRCA1 DNA repair associated; minus strand), LOC126862571 (BRD4-independent group 4 enhancer GRCh37_chr17:41243136-41244335; plus strand). Cytogenetic location: 17q21.31.
Variant type: single nucleotide variant.
Coding change: c.3244G>T on transcript NM_007294.4 (MANE Select); coding-DNA position 3244, G replaced by T.
Protein change: p.Ala1082Ser; replaces alanine 1082 with serine.
Molecular consequence: missense variant. On other transcripts: intron variant (137).
Genome position (GRCh38, 1-based): chr17:43,092,287, C>A on the plus strand (G>T on the coding strand, the complement: BRCA1 is on the minus strand). VCF-style: chr17-43092287-C-A. GRCh37 (hg19) VCF-style: chr17-41244304-C-A.
Other names: c.2911G>T, p.Ala971Ser (NM_001407948.1, NM_001407949.1, NM_001407950.1 and 6 more transcripts); c.3244G>T, p.Ala1082Ser (NM_001407622.1, NM_001407625.1, NM_001407626.1 and 30 more transcripts); c.2908G>T, p.Ala970Ser (NM_001407954.1, NM_001407955.1, NM_001407956.1 and 1 more transcripts); c.3241G>T, p.Ala1081Ser (NM_001407627.1, NM_001407628.1, NM_001407587.1 and 22 more transcripts); c.548-1255G>T (NM_001408494.1); c.665-1255G>T (NM_001408444.1, NM_001408438.1, NM_001408430.1 and 12 more transcripts); c.671-1255G>T (NM_001408423.1, NM_001408420.1, NM_001408419.1 and 2 more transcripts); c.788-1255G>T (NM_001408404.1, NM_001408472.1, NM_001407990.1 and 17 more transcripts); and 41 more; short protein forms A1035S, A1082S, A1012S, A1014S, A1055S, A1015S, A1034S, A1056S.
Identifiers: ClinVar variation 801070 (VCV000801070.16), dbSNP rs779459487, ClinGen allele CA10595494.